The following is an entry in ClinVar:

ClinVar aggregate classification (germline): Uncertain significance (1 of 4 stars; one submission).

Allele frequency attached by ClinVar (database versions not stated): ExAC 0.00001.

Submission:

Labcorp Genetics (formerly Invitae), Labcorp
Classification: Uncertain significance. Last evaluated: 2022-07-30. Review status: criteria provided, single submitter. Criteria: Invitae Variant Classification Sherloc (09022015). Collection method: clinical testing. Allele origin: germline.
Comment: Algorithms developed to predict the effect of missense changes on protein structure and function are either unavailable or do not agree on the potential impact of this missense change (SIFT: "Not Available"; PolyPhen-2: "Benign"; Align-GVGD: "Not Available"). In summary, the available evidence is currently insufficient to determine the role of this variant in disease. Therefore, it has been classified as a Variant of Uncertain Significance. This variant has not been reported in the literature in individuals affected with MYO18B-related conditions. This sequence change replaces lysine, which is basic and polar, with glutamine, which is neutral and polar, at codon 2427 of the MYO18B protein (p.Lys2427Gln). This variant is not present in population databases (gnomAD no frequency).

NM_032608.7(MYO18B):c.7279A>C (p.Lys2427Gln)

Gene: MYO18B (myosin XVIIIB; plus strand). Cytogenetic location: 22q12.1.
Variant type: single nucleotide variant.
Coding change: c.7279A>C on transcript NM_032608.7 (MANE Select); coding-DNA position 7279, A replaced by C.
Protein change: p.Lys2427Gln; replaces lysine 2427 with glutamine.
Molecular consequence: missense variant.
Genome position (GRCh38, 1-based): chr22:26,027,253, A>C. VCF-style: chr22-26027253-A-C. GRCh37 (hg19) VCF-style: chr22-26423219-A-C.
Other names: c.7282A>C, p.Lys2428Gln (NM_001318245.2); short protein forms K2428Q, K2427Q.
Identifiers: ClinVar variation 2016265 (VCV002016265.4), dbSNP rs747629733, ClinGen allele CA10161739.